The following is an entry in ClinVar:

NM_000020.3(ACVRL1):c.509G>A (p.Gly170Asp)

Gene: ACVRL1 (activin A receptor like type 1; plus strand). Cytogenetic location: 12q13.13.
Variant type: single nucleotide variant.
Coding change: c.509G>A on transcript NM_000020.3 (MANE Select); coding-DNA position 509, G replaced by A.
Protein change: p.Gly170Asp; replaces glycine 170 with aspartic acid.
Molecular consequence: missense variant. On other transcripts: intron variant (6).
Genome position (GRCh38, 1-based): chr12:51,913,754, G>A. VCF-style: chr12-51913754-G-A. GRCh37 (hg19) VCF-style: chr12-52307538-G-A.
Other names: c.509G>A, p.Gly170Asp (NM_001077401.2, NM_001406487.1, NM_001406488.1 and 1 more transcripts); c.313+404G>A (NM_001406491.1, NM_001406490.1, NM_001406492.1 and 2 more transcripts); c.62-685G>A (NM_001406495.1); short protein forms G170D.
Identifiers: ClinVar variation 3574945 (VCV003574945.2).
Genomic context (GRCh38, chr12:51,913,754, plus strand): 5'-AGCGTGGCCTGCACAGCGAGCTGGGAGAGTCCAGTCTCATCCTGAAAGCATCTGAGCAGG[G>A]CGACAGCATGTTGGGGGTATGGGCCTGGGGACCTGGGACACAGGGTGTAGGAGGGGCAGA-3'
Protein context (NP_000011.2, residues 160-180): SSLILKASEQ[Gly170Asp]DSMLGDLLDS

ClinVar aggregate classification (germline): Uncertain significance. Review status: criteria provided, multiple submitters, no conflicts (2 of 4 stars). 2 submissions from 2 submitters: Uncertain significance (2). Last evaluated 2025-04-22.

Conditions:
Telangiectasia, hereditary hemorrhagic, type 2 (HHT2). Also called: ACVRL1-Related Hereditary Hemorrhagic Telangiectasia; Telangiectasia, hereditary hemorrhagic, type II. Identifiers: Orphanet 774, MedGen C1838163, MONDO:0010880, OMIM 600376. Disease mechanism: loss of function.

gnomAD v4.1: 14 of 1,611,688 alleles (0.00087%); highest among the groups gnomAD compares: Non-Finnish European, 0.0012%; no homozygotes.

Submissions (2):

GeneDx
Classification: Uncertain significance. Last evaluated: 2025-04-22. Review status: criteria provided, single submitter. Criteria: GeneDx Variant Classification Process June 2021. Collection method: clinical testing. Allele origin: germline. Affected: yes.
Comment: Not observed at significant frequency in large population cohorts (gnomAD); In silico analysis supports that this missense variant has a deleterious effect on protein structure/function; Has not been previously published as pathogenic or benign to our knowledge

Fulgent Genetics
Classification: Uncertain significance for Telangiectasia, hereditary hemorrhagic, type 2. Last evaluated: 2024-03-05. Review status: criteria provided, single submitter. Criteria: ACMG Guidelines, 2015. Collection method: clinical testing. Allele origin: germline.